The following is an entry in ClinVar:

NM_004304.5(ALK):c.2474C>T (p.Thr825Ile)

Gene: ALK (ALK receptor tyrosine kinase; minus strand). Cytogenetic location: 2p23.2.
Variant type: single nucleotide variant.
Coding change: c.2474C>T on transcript NM_004304.5 (MANE Select); coding-DNA position 2474, C replaced by T.
Protein change: p.Thr825Ile; replaces threonine 825 with isoleucine.
Molecular consequence: missense variant.
Genome position (GRCh38, 1-based): chr2:29,233,578, G>A on the plus strand (C>T on the coding strand, the complement: ALK is on the minus strand). VCF-style: chr2-29233578-G-A. GRCh37 (hg19) VCF-style: chr2-29456444-G-A.
Other names: short protein forms T825I.
Identifiers: ClinVar variation 656594 (VCV000656594.9), dbSNP rs1573141513, ClinGen allele CA346472111.
Genomic context (GRCh38, chr2:29,233,578, plus strand): 5'-TGCAGATGCACAGGAACCTGGTGGAAATCTGGCAGCACACACCATACCTTAAATACGTAG[G>A]TGGCTCCACCCCCTCCTCCTCCGCCTCCTGCCCACTCATGCACGCTTCTGTTCACACGGA-3'
Protein context (NP_004295.2, residues 815-835): AGGGGGGGGA[Thr825Ile]YVFKMKDGVP

ClinVar aggregate classification (germline): Uncertain significance. Review status: criteria provided, multiple submitters, no conflicts (2 of 4 stars). 2 submissions from 2 submitters: Uncertain significance (2). Last evaluated 2026-05-04.

Conditions:
Hereditary cancer-predisposing syndrome. Also called: Tumor predisposition; Hereditary Cancer Syndrome; Neoplastic Syndromes, Hereditary; Hereditary neoplastic syndrome. Identifiers: Orphanet 140162, MedGen C0027672, MeSH D009386, MONDO:0015356.
Neuroblastoma, susceptibility to, 3. Also called: ALK-Related Neuroblastic Tumor Susceptibility. Identifiers: Orphanet 635, MedGen C2751681, MONDO:0013083, OMIM 613014.

Submissions (2):

Ambry Genetics
Classification: Uncertain significance for Hereditary cancer-predisposing syndrome. Last evaluated: 2026-05-04. Review status: criteria provided, single submitter. Criteria: Ambry Variant Classification Scheme 2023. Collection method: clinical testing. Allele origin: germline.
Comment: The p.T825I variant (also known as c.2474C>T), located in coding exon 14 of the ALK gene, results from a C to T substitution at nucleotide position 2474. The threonine at codon 825 is replaced by isoleucine, an amino acid with similar properties. This amino acid position is conserved. In addition, this alteration is predicted to be deleterious by in silico analysis. Based on the available evidence, the clinical significance of this variant remains unclear.

Labcorp Genetics (formerly Invitae), Labcorp
Classification: Uncertain significance for Neuroblastoma, susceptibility to, 3. Last evaluated: 2018-11-21. Review status: criteria provided, single submitter. Criteria: Invitae Variant Classification Sherloc (09022015). Collection method: clinical testing. Allele origin: germline.
Comment: In summary, the available evidence is currently insufficient to determine the role of this variant in disease. Therefore, it has been classified as a Variant of Uncertain Significance. Algorithms developed to predict the effect of missense changes on protein structure and function (SIFT, PolyPhen-2, Align-GVGD) all suggest that this variant is likely to be disruptive, but these predictions have not been confirmed by published functional studies and their clinical significance is uncertain. This variant has not been reported in the literature in individuals with ALK-related disease. This variant is not present in population databases (ExAC no frequency). This sequence change replaces threonine with isoleucine at codon 825 of the ALK protein (p.Thr825Ile). The threonine residue is highly conserved and there is a moderate physicochemical difference between threonine and isoleucine.